The following is an entry in ClinVar:

NM_181882.3(PRX):c.27+12C>T

Gene: PRX (periaxin; minus strand). Cytogenetic location: 19q13.2.
Variant type: single nucleotide variant.
Coding change: c.27+12C>T on transcript NM_181882.3 (MANE Select); 12 bases into the intron after coding-DNA position 27, C replaced by T.
Molecular consequence: intron variant.
Genome position (GRCh38, 1-based): chr19:40,407,894, G>A on the plus strand (C>T on the coding strand, the complement: PRX is on the minus strand). VCF-style: chr19-40407894-G-A. GRCh37 (hg19) VCF-style: chr19-40913801-G-A.
Other names: c.27+12C>T (NM_020956.2).
Identifiers: ClinVar variation 511151 (VCV000511151.4), dbSNP rs376353333, ClinGen allele CA9444622.

ClinVar aggregate classification (germline): Likely benign. Review status: criteria provided, multiple submitters, no conflicts (2 of 4 stars). 2 submissions from 2 submitters: Likely benign (2). Last evaluated 2026-01-14.

Conditions:
Charcot-Marie-Tooth disease type 4. Also called: Charcot-Marie-Tooth disease, type IV; Charcot-Marie-Tooth, Type 4. Identifiers: Orphanet 64749, MedGen C4082197, MONDO:0018995.

Allele frequency attached by ClinVar (database versions not stated): ExAC 0.00004; ESP Exome Variant Server 0.00008; TOPMed 0.00013.
gnomAD v4.1: 39 of 1,613,228 alleles (0.0024%); highest among the groups gnomAD compares: African/African-American, 0.017%; no homozygotes.

Submissions (2):

Labcorp Genetics (formerly Invitae), Labcorp
Classification: Likely benign for Charcot-Marie-Tooth disease type 4. Last evaluated: 2026-01-14. Review status: criteria provided, single submitter. Criteria: Invitae Variant Classification Sherloc (09022015). Collection method: clinical testing. Allele origin: germline.

GeneDx
Classification: Likely benign. Last evaluated: 2017-08-03. Review status: criteria provided, single submitter. Criteria: GeneDx Variant Classification (06012015). Collection method: clinical testing. Allele origin: germline. Affected: yes.
Comment: This variant is considered likely benign or benign based on one or more of the following criteria: it is a conservative change, it occurs at a poorly conserved position in the protein, it is predicted to be benign by multiple in silico algorithms, and/or has population frequency not consistent with disease.